The following is an entry in ClinVar:

NM_001282531.3(ADNP):c.70del (p.Ser24fs)

Gene: ADNP (activity dependent neuroprotector homeobox; minus strand). Cytogenetic location: 20q13.13.
Variant type: Deletion.
Coding change: c.70del on transcript NM_001282531.3 (MANE Select); coding-DNA position 70, one base deleted (A; older notation c.70delA).
Protein change: p.Ser24fs; shifts the reading frame from serine 24.
Molecular consequence: frameshift variant.
Genome position (GRCh38, 1-based): chr20:50,903,927, T deleted on the plus strand (A on the coding strand, the reverse complement: ADNP is on the minus strand). VCF-style (leftmost placement, unchanged base first): chr20-50903926-CT-C. GRCh37 (hg19) VCF-style: chr20-49520463-CT-C.
Other names: c.70del, p.Ser24fs (NM_001282532.2, NM_001347511.2, NM_015339.5 and 1 more transcripts); short protein forms S24fs.
Identifiers: ClinVar variation 419147 (VCV000419147.2), dbSNP rs1064793677, ClinGen allele CA16620938.
Genomic context (GRCh38, chr20:50,903,926, plus strand): 5'-TTTAAAAATGACATGCTACTTACTTCTATATGTTCTTTACAGTATTCCAACCCAATGTCA[CT>C]AAGTATTTTTTTCACAGTTTTCCGGGCTTTTCTTAAACTGCCAAGATTGTTGACAGGAAG-3'

ClinVar aggregate classification (germline): Pathogenic (1 of 4 stars; one submission).

Submission:

GeneDx
Classification: Pathogenic. Last evaluated: 2015-06-15. Review status: criteria provided, single submitter. Criteria: GeneDx Variant Classification (06012015). Collection method: clinical testing. Allele origin: germline. Affected: yes.
Comment: The c.70delA deletion in the ADNP gene has not been reported previously as a pathogenic variantnor as a benign polymorphism, to our knowledge. The c.70delA deletion is predicted to cause loss ofnormal protein function either through protein truncation or nonsense-mediated mRNA decay. Thec.70delA deletion was not observed in approximately 6,500 individuals of European and African Americanancestry in the NHLBI Exome Sequencing Project, indicating it is not a common benign variant in thesepopulations. We interpret c.70delA as a pathogenic variant.